The following is an entry in ClinVar:

NM_005996.4(TBX3):c.1339G>A (p.Val447Met)

Gene: TBX3 (T-box transcription factor 3; minus strand). Cytogenetic location: 12q24.21.
Variant type: single nucleotide variant.
Coding change: c.1339G>A on transcript NM_005996.4 (MANE Select); coding-DNA position 1339, G replaced by A.
Protein change: p.Val447Met; replaces valine 447 with methionine.
Molecular consequence: missense variant.
Genome position (GRCh38, 1-based): chr12:114,674,536, C>T on the plus strand (G>A on the coding strand, the complement: TBX3 is on the minus strand). VCF-style: chr12-114674536-C-T. GRCh37 (hg19) VCF-style: chr12-115112341-C-T.
Other names: c.1399G>A, p.Val467Met (NM_016569.4); short protein forms V447M, V467M.
Identifiers: ClinVar variation 2075019 (VCV002075019.4), dbSNP rs1039440316, ClinGen allele CA244143672.

ClinVar aggregate classification (germline): Uncertain significance (1 of 4 stars; one submission).

Conditions:
Ulnar-mammary syndrome (UMS). Also called: PALLISTER ULNAR-MAMMARY SYNDROME; SCHINZEL SYNDROME; Ulnar-mammary syndrome of Pallister. Identifiers: Orphanet 3138, MedGen C1866994, MONDO:0008411, OMIM 181450.

Allele frequency attached by ClinVar (database versions not stated): TOPMed 0.00004; gnomAD 0.00005.
gnomAD v4.1: 23 of 1,536,876 alleles (0.0015%); highest among the groups gnomAD compares: Admixed American, 0.012%; no homozygotes.

Submission:

Labcorp Genetics (formerly Invitae), Labcorp
Classification: Uncertain significance for Ulnar-mammary syndrome. Last evaluated: 2025-03-10. Review status: criteria provided, single submitter. Criteria: Invitae Variant Classification Sherloc (09022015). Collection method: clinical testing. Allele origin: germline.
Comment: This sequence change replaces valine, which is neutral and non-polar, with methionine, which is neutral and non-polar, at codon 447 of the TBX3 protein (p.Val447Met). This variant is present in population databases (no rsID available, gnomAD 0.03%). This variant has not been reported in the literature in individuals affected with TBX3-related conditions. ClinVar contains an entry for this variant (Variation ID: 2075019). An algorithm developed to predict the effect of missense changes on protein structure and function (PolyPhen-2) suggests that this variant is likely to be tolerated. In summary, the available evidence is currently insufficient to determine the role of this variant in disease. Therefore, it has been classified as a Variant of Uncertain Significance.